The following is an entry in ClinVar:

NM_005120.3(MED12):c.5026-189G>C

Gene: MED12 (mediator complex subunit 12; plus strand). Cytogenetic location: Xq13.1.
Variant type: single nucleotide variant.
Coding change: c.5026-189G>C on transcript NM_005120.3 (MANE Select); 189 bases into the intron before coding-DNA position 5026, G replaced by C.
Molecular consequence: intron variant.
Genome position (GRCh38, 1-based): chrX:71,136,092, G>C. VCF-style: chrX-71136092-G-C. GRCh37 (hg19) VCF-style: chrX-70355942-G-C.
Identifiers: ClinVar variation 673789 (VCV000673789.2), dbSNP rs4844284, ClinGen allele CA330983162.

ClinVar aggregate classification (germline): Benign. Review status: criteria provided, multiple submitters, no conflicts (2 of 4 stars). 2 submissions from 2 submitters: Benign (2). Last evaluated 2018-06-14.

Allele frequency attached by ClinVar (database versions not stated): gnomAD 0.53371; 1000 Genomes Project 0.56636; 1000 Genomes Project 30x 0.58044; TOPMed 0.59447.

Submissions (2):

GeneDx
Classification: Benign. Last evaluated: 2018-06-14. Review status: criteria provided, single submitter. Criteria: GeneDx Variant Classification (06012015). Collection method: clinical testing. Allele origin: germline. Affected: yes.
Comment: This variant is considered likely benign or benign based on one or more of the following criteria: it is a conservative change, it occurs at a poorly conserved position in the protein, it is predicted to be benign by multiple in silico algorithms, and/or has population frequency not consistent with disease.

Breakthrough Genomics
Classification: Benign. Review status: criteria provided, single submitter. Criteria: ACMG Guidelines, 2015. Collection method: not provided. Allele origin: germline. Inheritance: X-linked inheritance. Affected: yes.